The following is an entry in ClinVar:

NM_016333.4(SRRM2):c.5844T>C (p.Ser1948=)

Gene: SRRM2 (serine/arginine repetitive matrix 2; plus strand). Cytogenetic location: 16p13.3.
Variant type: single nucleotide variant.
Coding change: c.5844T>C on transcript NM_016333.4 (MANE Select); coding-DNA position 5844, T replaced by C.
Protein change: p.Ser1948=; no amino-acid change (serine 1948 retained).
Molecular consequence: synonymous variant.
Genome position (GRCh38, 1-based): chr16:2,766,372, T>C. VCF-style: chr16-2766372-T-C. GRCh37 (hg19) VCF-style: chr16-2816373-T-C.
Identifiers: ClinVar variation 4874117 (VCV004874117.2).
Genomic context (GRCh38, chr16:2,766,372, plus strand): 5'-ACCAGTAACCCGCCGTCGTTCAAGGTCTAGAACGCCAACAACACGCCGCCGCTCCCGTTC[T>C]AGAACTCCACCAGTGACTCGCAGAAGGTCCAGATCCAGGACTCCACCAGTAACCAGGAGG-3'
Protein context (NP_057417.3, residues 1938-1958): RTPTTRRRSR[Ser1948=]RTPPVTRRRS

ClinVar aggregate classification (germline): Likely benign (1 of 4 stars; one submission).

Submission:

CeGaT Center for Human Genetics Tuebingen
Classification: Likely benign. Last evaluated: 2026-05-01. Review status: criteria provided, single submitter. Criteria: CeGaT Center For Human Genetics Tuebingen Variant Classification Criteria Version 2. Collection method: clinical testing. Allele origin: germline. Affected: yes. Observed: 1 variant allele.
Comment: SRRM2: BP4, BP7